The following is an entry in ClinVar:

ClinVar aggregate classification (germline): Conflicting classifications of pathogenicity. Review status: criteria provided, conflicting classifications (1 of 4 stars). 2 submissions from 2 submitters: Uncertain significance (1); Likely benign (1). Last evaluated 2025-12-29.

gnomAD v4.1: 24 of 1,613,906 alleles (0.0015%); highest among the groups gnomAD compares: Non-Finnish European, 0.0017%; no homozygotes.

Submissions (2):

Labcorp Genetics (formerly Invitae), Labcorp
Classification: Uncertain significance. Last evaluated: 2025-12-29. Review status: criteria provided, single submitter. Criteria: Invitae Variant Classification Sherloc (09022015). Collection method: clinical testing. Allele origin: germline.
Comment: This sequence change replaces arginine, which is basic and polar, with histidine, which is basic and polar, at codon 384 of the ATRN protein (p.Arg384His). This variant is present in population databases (no rsID available, gnomAD 0.0009%). This variant has not been reported in the literature in individuals affected with ATRN-related conditions. ClinVar contains an entry for this variant (Variation ID: 3977483). An algorithm developed to predict the effect of missense changes on protein structure and function outputs the following: PolyPhen-2: "Benign". The histidine amino acid residue is found in multiple mammalian species, which suggests that this missense change does not adversely affect protein function. In summary, the available evidence is currently insufficient to determine the role of this variant in disease. Therefore, it has been classified as a Variant of Uncertain Significance.

Ambry Genetics
Classification: Likely benign. Last evaluated: 2025-04-15. Review status: criteria provided, single submitter. Criteria: Ambry Variant Classification Scheme 2023. Collection method: clinical testing. Allele origin: germline.

NM_139321.3(ATRN):c.1151G>A (p.Arg384His)

Gene: ATRN (attractin; plus strand). Cytogenetic location: 20p13.
Variant type: single nucleotide variant.
Coding change: c.1151G>A on transcript NM_139321.3 (MANE Select); coding-DNA position 1151, G replaced by A.
Protein change: p.Arg384His; replaces arginine 384 with histidine.
Molecular consequence: missense variant.
Genome position (GRCh38, 1-based): chr20:3,559,431, G>A. VCF-style: chr20-3559431-G-A. GRCh37 (hg19) VCF-style: chr20-3540078-G-A.
Other names: c.803G>A, p.Arg268His (NM_001207047.3); c.1151G>A, p.Arg384His (NM_001323332.2, NM_139322.4); short protein forms R384H, R268H.
Identifiers: ClinVar variation 3977483 (VCV003977483.2).